The following is an entry in ClinVar:

ClinVar aggregate classification (germline): Uncertain significance (1 of 4 stars; one submission).

Conditions:
Inborn genetic diseases. Identifiers: MedGen C0950123, MeSH D030342.

Allele frequency attached by ClinVar (database versions not stated): TOPMed below 0.00001.

Submission:

Ambry Genetics
Classification: Uncertain significance for Inborn genetic diseases. Last evaluated: 2022-08-29. Review status: criteria provided, single submitter. Criteria: Ambry Variant Classification Scheme 2023. Collection method: clinical testing. Allele origin: germline.
Comment: The p.A1266T variant (also known as c.3796G>A), located in coding exon 20 of the ATR gene, results from a G to A substitution at nucleotide position 3796. The alanine at codon 1266 is replaced by threonine, an amino acid with similar properties. This amino acid position is conserved. In addition, this alteration is predicted to be tolerated by in silico analysis. Since supporting evidence is limited at this time, the clinical significance of this alteration remains unclear.

NM_001184.4(ATR):c.3796G>A (p.Ala1266Thr)

Gene: ATR (ATR checkpoint kinase; minus strand). Cytogenetic location: 3q23.
Variant type: single nucleotide variant.
Coding change: c.3796G>A on transcript NM_001184.4 (MANE Select); coding-DNA position 3796, G replaced by A.
Protein change: p.Ala1266Thr; replaces alanine 1266 with threonine.
Molecular consequence: missense variant.
Genome position (GRCh38, 1-based): chr3:142,536,131, C>T on the plus strand (G>A on the coding strand, the complement: ATR is on the minus strand). VCF-style: chr3-142536131-C-T. GRCh37 (hg19) VCF-style: chr3-142254973-C-T.
Other names: c.3604G>A, p.Ala1202Thr (NM_001354579.2); short protein forms A1202T, A1266T.
Identifiers: ClinVar variation 1734987 (VCV001734987.2), dbSNP rs2033851704, ClinGen allele CA354806681.